The following is an entry in ClinVar:

NM_000288.4(PEX7):c.273G>C (p.Ser91=)

Gene: PEX7 (peroxisomal biogenesis factor 7; plus strand). Cytogenetic location: 6q23.3.
Variant type: single nucleotide variant.
Coding change: c.273G>C on transcript NM_000288.4 (MANE Select); coding-DNA position 273, G replaced by C.
Protein change: p.Ser91=; no amino-acid change (serine 91 retained).
Molecular consequence: synonymous variant.
Genome position (GRCh38, 1-based): chr6:136,826,403, G>C. VCF-style: chr6-136826403-G-C. GRCh37 (hg19) VCF-style: chr6-137147541-G-C.
Other names: c.273G>C (NM_000288.3).
Identifiers: ClinVar variation 1608840 (VCV001608840.9), dbSNP rs532273900, ClinGen allele CA4017544.
Genomic context (GRCh38, chr6:136,826,403, plus strand): 5'-TGATGTGACTTGGAGTGAGAACAACGAACATGTCCTCATCACCTGTAGTGGCGATGGCTC[G>C]CTGCAGCTCTGGGACACTGCCAAAGCTGCAGGGCCACTGCAAGTCTATAAAGAACACGCT-3'
Protein context (NP_000279.1, residues 81-101): HVLITCSGDG[Ser91=]LQLWDTAKAA

ClinVar aggregate classification (germline): Likely benign. Review status: criteria provided, single submitter (1 of 4 stars). 2 submissions from 2 submitters: Likely benign (1). 1 of the submissions does not count toward it. Last evaluated 2023-02-11.

Conditions:
PEX7-related disorder. Also called: PEX7-related condition; PEX7-related disorders. Identifiers: MedGen CN239409.
Peroxisome biogenesis disorder 9B. Also called: PEROXISOME BIOGENESIS DISORDER, PEX7-RELATED, ATYPICAL; PEX7-Related Refsum Disease; Refsum disease, adult, 2. Identifiers: Orphanet 773, MedGen C2749346, MONDO:0013945, OMIM 614879.

Allele frequency attached by ClinVar (database versions not stated): ExAC 0.00002; 1000 Genomes Project 0.07927.
gnomAD v4.1: 1 of 1,613,854 alleles (0.000062%); highest among the groups gnomAD compares: Non-Finnish European, 0.000085%; no homozygotes.

Submissions (2):

Labcorp Genetics (formerly Invitae), Labcorp
Classification: Likely benign for Peroxisome biogenesis disorder 9B. Last evaluated: 2023-02-11. Review status: criteria provided, single submitter. Criteria: Invitae Variant Classification Sherloc (09022015). Collection method: clinical testing. Allele origin: germline.

PreventionGenetics, part of Exact Sciences
Classification: Likely benign for PEX7-related condition. Last evaluated: 2024-03-26. Review status: no assertion criteria provided. Collection method: clinical testing. Allele origin: germline. Not counted in ClinVar's aggregate classification.
Comment: This variant is classified as likely benign based on ACMG/AMP sequence variant interpretation guidelines (Richards et al. 2015 PMID: 25741868, with internal and published modifications).